The following is an entry in ClinVar:

ClinVar aggregate classification (germline): Likely pathogenic. Review status: criteria provided, single submitter (1 of 4 stars). 2 submissions from 2 submitters: Likely pathogenic (1). 1 of the submissions does not count toward it. Last evaluated 2025-11-03.

Conditions:
Autosomal dominant Alport syndrome (ATS3A). Also called: ALPORT SYNDROME 3A, AUTOSOMAL DOMINANT; Alport syndrome dominant type; Renal failure and sensorineural hearing loss. Identifiers: Orphanet 63, Orphanet 88918, MedGen C5882663, MONDO:0007086, OMIM 104200.

Submissions (2):

Institute of Immunology and Genetics Kaiserslautern
Classification: Likely pathogenic for Autosomal dominant Alport syndrome. Last evaluated: 2025-11-03. Review status: criteria provided, single submitter. Criteria: ACMG Guidelines, 2015. Collection method: clinical testing. Allele origin: germline. Affected: yes.
Comment: ACMG Criteria: PM1, PM2_P, PP3, PP4, PP5; Variant was found in heterozygous state.

Bioscientia Institut fuer Medizinische Diagnostik GmbH, Sonic Healthcare
Classification: Likely pathogenic for Autosomal dominant Alport syndrome. Last evaluated: 2018-05-22. Review status: no assertion criteria provided. Collection method: clinical testing. Allele origin: germline. Affected: yes. Not counted in ClinVar's aggregate classification.

NM_000092.5(COL4A4):c.1907G>A (p.Gly636Asp)

Gene: COL4A4 (collagen type IV alpha 4 chain; minus strand). Cytogenetic location: 2q36.3.
Variant type: single nucleotide variant.
Coding change: c.1907G>A on transcript NM_000092.5 (MANE Select); coding-DNA position 1907, G replaced by A.
Protein change: p.Gly636Asp; replaces glycine 636 with aspartic acid.
Molecular consequence: missense variant.
Genome position (GRCh38, 1-based): chr2:227,077,974, C>T on the plus strand (G>A on the coding strand, the complement: COL4A4 is on the minus strand). VCF-style: chr2-227077974-C-T. GRCh37 (hg19) VCF-style: chr2-227942690-C-T.
Other names: short protein forms G636D.
Identifiers: ClinVar variation 599137 (VCV000599137.3), dbSNP rs1559563141, ClinGen allele CA350845249.